The following is an entry in ClinVar:

NM_000088.4(COL1A1):c.3665A>G (p.Asn1222Ser)

Gene: COL1A1 (collagen type I alpha 1 chain; minus strand). Cytogenetic location: 17q21.33.
Variant type: single nucleotide variant.
Coding change: c.3665A>G on transcript NM_000088.4 (MANE Select); coding-DNA position 3665, A replaced by G.
Protein change: p.Asn1222Ser; replaces asparagine 1222 with serine.
Molecular consequence: missense variant.
Genome position (GRCh38, 1-based): chr17:50,186,789, T>C on the plus strand (A>G on the coding strand, the complement: COL1A1 is on the minus strand). VCF-style: chr17-50186789-T-C. GRCh37 (hg19) VCF-style: chr17-48264150-T-C.
Other names: c.3665A>G (NM_000088.3); short protein forms N1222S.
Identifiers: ClinVar variation 1388517 (VCV001388517.10), dbSNP rs751784955, ClinGen allele CA8644379.

ClinVar aggregate classification (germline): Conflicting classifications of pathogenicity. Review status: criteria provided, conflicting classifications (1 of 4 stars). 3 submissions from 3 submitters: Uncertain significance (1); Benign (1); Likely benign (1). Last evaluated 2025-05-19.

Conditions:
Osteogenesis imperfecta type I (OI1). Also called: OI, TYPE I; OSTEOGENESIS IMPERFECTA TARDA; OSTEOGENESIS IMPERFECTA WITH BLUE SCLERAE; Osteogenesis imperfecta type 1; Lobstein disease; Classic Non-deforming Osteogenesis Imperfecta with Blue Sclerae. Identifiers: Orphanet 216796, Orphanet 666, MedGen C0023931, MONDO:0008146, OMIM 166200. Disease mechanism: loss of function.

Allele frequency attached by ClinVar (database versions not stated): ExAC 0.00001; gnomAD exomes 0.00001; gnomAD 0.00003.
gnomAD v4.1: 19 of 1,613,986 alleles (0.0012%); highest among the groups gnomAD compares: African/African-American, 0.017%; no homozygotes.

Submissions (3):

Women's Health and Genetics/Laboratory Corporation of America, LabCorp
Classification: Likely benign. Last evaluated: 2025-05-19. Review status: criteria provided, single submitter. Criteria: LabCorp Variant Classification Summary - May 2015. Collection method: clinical testing. Allele origin: germline.
Comment: Variant summary: COL1A1 c.3665A>G (p.Asn1222Ser) results in a conservative amino acid change in the encoded protein sequence. Algorithms developed to predict the effect of missense changes on protein structure and function are either unavailable or do not agree on the potential impact of this missense change. The variant allele was found at a frequency of 1.2e-05 in 1613986 control chromosomes, predominantly at a frequency of 0.00017 within the African or African-American subpopulation in the gnomAD database. The observed variant frequency within African or African-American control individuals in the gnomAD database is approximately 5.67 fold of the estimated maximal expected allele frequency for a pathogenic variant in COL1A1 causing Osteogenesis imperfecta type I phenotype (3e-05). To our knowledge, no occurrence of c.3665A>G in individuals affected with Osteogenesis imperfecta type I and no experimental evidence demonstrating its impact on protein function have been reported. ClinVar contains an entry for this variant (Variation ID: 1388517). Based on the evidence outlined above, the variant was classified as likely benign.

GeneDx
Classification: Uncertain significance. Last evaluated: 2023-03-07. Review status: criteria provided, single submitter. Criteria: GeneDx Variant Classification Process June 2021. Collection method: clinical testing. Allele origin: germline. Affected: yes.
Comment: Has been identified in an individual with bleeding diathesis who also harbored a COL5A1 variant (Fager et al., 2020); In silico analysis supports that this missense variant does not alter protein structure/function; Not located in the triple helical region, where the majority of pathogenic missense variants occur (HGMD); This variant is associated with the following publications: (PMID: 33161638)

Labcorp Genetics (formerly Invitae), Labcorp
Classification: Benign for Osteogenesis imperfecta type I. Last evaluated: 2023-02-16. Review status: criteria provided, single submitter. Criteria: Invitae Variant Classification Sherloc (09022015). Collection method: clinical testing. Allele origin: germline.